The following is an entry in ClinVar:

NM_001018115.3(FANCD2):c.1092G>A (p.Trp364Ter)

Genes: FANCD2 (FA complementation group D2; plus strand), LOC107303338 (3p25 FANCD2 Alu-mediated recombination region; plus strand). Cytogenetic location: 3p25.3.
Variant type: single nucleotide variant.
Coding change: c.1092G>A on transcript NM_001018115.3 (MANE Select); coding-DNA position 1092, G replaced by A.
Protein change: p.Trp364Ter; replaces tryptophan 364 with a stop codon.
Molecular consequence: nonsense.
Genome position (GRCh38, 1-based): chr3:10,043,586, G>A. VCF-style: chr3-10043586-G-A. GRCh37 (hg19) VCF-style: chr3-10085270-G-A.
Other names: c.1092G>A, p.Trp364Ter (NM_001319984.2, NM_001374253.1, NM_001374254.1 and 1 more transcripts); short protein forms W364*.
Identifiers: ClinVar variation 929649 (VCV000929649.1), dbSNP rs2086921262, ClinGen allele CA351731012.

ClinVar aggregate classification (germline): Pathogenic (0 of 4 stars; one submission).

Conditions:
Fanconi anemia complementation group D2. Also called: FANCD2-Related Fanconi Anemia; FANCONI PANCYTOPENIA, TYPE 4; FANCONI ANEMIA, COMPLEMENTATION GROUP D. Identifiers: Orphanet 84, MedGen C3160738, MONDO:0009214, OMIM 227646.

Submission:

Leiden Open Variation Database
Classification: Pathogenic for Fanconi anemia complementation group D2. Last evaluated: 2020-02-28. Review status: no assertion criteria provided. Collection method: curation. Allele origin: germline. Affected: yes.
Comment: Curator: Arleen D. Auerbach. Submitter to LOVD: Arleen D. Auerbach.

Literature cited by the submitters: PubMed 17436244.